The following is an entry in ClinVar:

NM_022051.3(EGLN1):c.1199A>G (p.Lys400Arg)

Gene: EGLN1 (egl-9 family hypoxia inducible factor 1; minus strand). Cytogenetic location: 1q42.2.
Variant type: single nucleotide variant.
Coding change: c.1199A>G on transcript NM_022051.3 (MANE Select); coding-DNA position 1199, A replaced by G.
Protein change: p.Lys400Arg; replaces lysine 400 with arginine.
Molecular consequence: missense variant. On other transcripts: 3 prime UTR variant (1), intron variant (1).
Genome position (GRCh38, 1-based): chr1:231,367,586, T>C on the plus strand (A>G on the coding strand, the complement: EGLN1 is on the minus strand). VCF-style: chr1-231367586-T-C. GRCh37 (hg19) VCF-style: chr1-231503332-T-C.
Other names: c.*24A>G (NM_001377261.1); c.1149-1111A>G (NM_001377260.1); short protein forms K400R.
Identifiers: ClinVar variation 5035856 (VCV005035856.1).

ClinVar aggregate classification (germline): Uncertain significance (1 of 4 stars; one submission).

Submission:

Ambry Genetics
Classification: Uncertain significance. Last evaluated: 2026-08-01. Review status: criteria provided, single submitter. Criteria: Ambry Variant Classification Scheme 2023. Collection method: clinical testing. Allele origin: germline.
Comment: The p.K400R variant (also known as c.1199A>G), located in coding exon 4 of the EGLN1 gene, results from an A to G substitution at nucleotide position 1199. The lysine at codon 400 is replaced by arginine, an amino acid with highly similar properties. This amino acid position is conserved. In addition, the in silico prediction for this alteration is inconclusive. Based on the available evidence, the clinical significance of this variant remains unclear.